The following is an entry in ClinVar:

ClinVar aggregate classification (germline): Uncertain significance (1 of 4 stars; one submission).

Submission:

Women's Health and Genetics/Laboratory Corporation of America, LabCorp
Classification: Uncertain significance. Last evaluated: 2024-05-29. Review status: criteria provided, single submitter. Criteria: LabCorp Variant Classification Summary - May 2015. Collection method: clinical testing. Allele origin: germline.
Comment: Variant summary: PCCA c.1268C>A (p.Pro423Gln) results in a non-conservative amino acid change located in the Biotin carboxylase, C-terminal (IPR005482) of the encoded protein sequence. Five of five in-silico tools predict a damaging effect of the variant on protein function. The variant was absent in 251334 control chromosomes. The available data on variant occurrences in the general population are insufficient to allow any conclusion about variant significance. To our knowledge, no occurrence of c.1268C>A in individuals affected with Propionic Acidemia and no experimental evidence demonstrating its impact on protein function have been reported. No submitters have cited clinical-significance assessments for this variant to ClinVar. Based on the evidence outlined above, the variant was classified as uncertain significance.

NM_000282.4(PCCA):c.1268C>A (p.Pro423Gln)

Gene: PCCA (propionyl-CoA carboxylase subunit alpha; plus strand). Cytogenetic location: 13q32.3.
Variant type: single nucleotide variant.
Coding change: c.1268C>A on transcript NM_000282.4 (MANE Select); coding-DNA position 1268, C replaced by A.
Protein change: p.Pro423Gln; replaces proline 423 with glutamine.
Molecular consequence: missense variant. On other transcripts: non-coding transcript variant (5).
Genome position (GRCh38, 1-based): chr13:100,302,982, C>A. VCF-style: chr13-100302982-C-A. GRCh37 (hg19) VCF-style: chr13-100955236-C-A.
Other names: c.1190C>A, p.Pro397Gln (NM_001127692.3, NM_001352607.2); c.1268C>A, p.Pro423Gln (NM_001178004.2, NM_001352605.2, NM_001352609.2); c.1124C>A, p.Pro375Gln (NM_001352606.2); c.1046C>A, p.Pro349Gln (NM_001352608.2); c.323C>A, p.Pro108Gln (NM_001352610.2, NM_001352611.2); c.179C>A, p.Pro60Gln (NM_001352612.2); short protein forms P108Q, P349Q, P375Q, P397Q, P423Q, P60Q.
Identifiers: ClinVar variation 3336186 (VCV003336186.1).